The following is an entry in ClinVar:

ClinVar aggregate classification (germline): Uncertain significance (1 of 4 stars; one submission).

Conditions:
Intellectual developmental disorder, autosomal dominant 45. Also called: MENTAL RETARDATION, AUTOSOMAL DOMINANT 45; Intellectual disability, autosomal dominant 45. Identifiers: MedGen C4539848, MONDO:0030910, OMIM 617600.

Allele frequency attached by ClinVar (database versions not stated): gnomAD exomes below 0.00001.
gnomAD v4.1: 2 of 1,613,920 alleles (0.00012%); highest among the groups gnomAD compares: Non-Finnish European, 0.00017%; no homozygotes.

Submission:

Baylor Genetics
Classification: Uncertain significance for Intellectual developmental disorder, autosomal dominant 45. Last evaluated: 2019-09-19. Review status: criteria provided, single submitter. Criteria: ACMG Guidelines, 2015. Collection method: clinical testing. Allele origin: unknown. Affected: yes.
Comment: This variant was determined to be of uncertain significance according to ACMG Guidelines, 2015 [PMID:25741868].

NM_001386298.1(CIC):c.3974C>T (p.Pro1325Leu)

Gene: CIC (capicua transcriptional repressor; plus strand). Cytogenetic location: 19q13.2.
Variant type: single nucleotide variant.
Coding change: c.3974C>T on transcript NM_001386298.1 (MANE Select); coding-DNA position 3974, C replaced by T.
Protein change: p.Pro1325Leu; replaces proline 1325 with leucine.
Molecular consequence: missense variant.
Genome position (GRCh38, 1-based): chr19:42,289,293, C>T. VCF-style: chr19-42289293-C-T. GRCh37 (hg19) VCF-style: chr19-42793445-C-T.
Other names: c.3974C>T, p.Pro1325Leu (NM_001304815.2, NM_001379480.1, NM_001379482.1); c.1247C>T, p.Pro416Leu (NM_001379484.1, NM_001379485.1, NM_015125.5); short protein forms P1325L, P416L.
Identifiers: ClinVar variation 1030467 (VCV001030467.1), dbSNP rs2037898729, ClinGen allele CA406102810.